The following is an entry in ClinVar:

NM_000306.4(POU1F1):c.831T>A (p.Asn277Lys)

Gene: POU1F1 (POU class 1 homeobox 1; minus strand). Cytogenetic location: 3p11.2.
Variant type: single nucleotide variant.
Coding change: c.831T>A on transcript NM_000306.4 (MANE Select); coding-DNA position 831, T replaced by A.
Protein change: p.Asn277Lys; replaces asparagine 277 with lysine.
Molecular consequence: missense variant.
Genome position (GRCh38, 1-based): chr3:87,259,939, A>T on the plus strand (T>A on the coding strand, the complement: POU1F1 is on the minus strand). VCF-style: chr3-87259939-A-T. GRCh37 (hg19) VCF-style: chr3-87309089-A-T.
Other names: c.909T>A, p.Asn303Lys (NM_001122757.3); short protein forms N277K, N303K.
Identifiers: ClinVar variation 5017529 (VCV005017529.1).

ClinVar aggregate classification (germline): Uncertain significance (1 of 4 stars; one submission).

gnomAD v4.1: 5 of 1,614,160 alleles (0.00031%); highest among the groups gnomAD compares: Non-Finnish European, 0.00042%; no homozygotes.

Submission:

GeneDx
Classification: Uncertain significance. Last evaluated: 2026-03-28. Review status: criteria provided, single submitter. Criteria: GeneDx Variant Classification Process June 2021. Collection method: clinical testing. Allele origin: germline.
Comment: Not observed at significant frequency in large population cohorts (gnomAD); In silico analysis supports that this missense variant has a deleterious effect on protein structure/function; Has not been previously published as pathogenic or benign to our knowledge